The following is an entry in ClinVar:

NM_000492.4(CFTR):c.359C>T (p.Ala120Val)

Gene: CFTR (CF transmembrane conductance regulator; plus strand). Cytogenetic location: 7q31.2.
Variant type: single nucleotide variant.
Coding change: c.359C>T on transcript NM_000492.4 (MANE Select); coding-DNA position 359, C replaced by T.
Protein change: p.Ala120Val; replaces alanine 120 with valine.
Molecular consequence: missense variant.
Genome position (GRCh38, 1-based): chr7:117,530,984, C>T. VCF-style: chr7-117530984-C-T. GRCh37 (hg19) VCF-style: chr7-117171038-C-T.
Other names: short protein forms A120V.
Identifiers: ClinVar variation 526016 (VCV000526016.15), dbSNP rs1265244783, ClinGen allele CA368974481.

ClinVar aggregate classification (germline): Uncertain significance. Review status: criteria provided, multiple submitters, no conflicts (2 of 4 stars). 6 submissions from 6 submitters: Uncertain significance (4). 2 of the submissions do not count toward it. Last evaluated 2025-04-23.

Conditions:
Cystic fibrosis (CF). Also called: MUCOVISCIDOSIS. Identifiers: Orphanet 586, MedGen C0010674, MONDO:0009061, OMIM 219700. Disease mechanism: loss of function.
CFTR-related disorder (CFTR-RD). Also called: CFTR-related disorders; CFTR-related condition. Identifiers: MedGen C5924204, MONDO:7770004.

Allele frequency attached by ClinVar (database versions not stated): TOPMed below 0.00001; gnomAD exomes 0.00001.
gnomAD v4.1: 19 of 1,613,578 alleles (0.0012%); highest among the groups gnomAD compares: Non-Finnish European, 0.0016%; no homozygotes.

Submissions (6):

Ambry Genetics
Classification: Uncertain significance for Cystic fibrosis. Last evaluated: 2025-04-23. Review status: criteria provided, single submitter. Criteria: Ambry Variant Classification Scheme 2023. Collection method: clinical testing. Allele origin: germline.
Comment: The p.A120V variant (also known as c.359C>T), located in coding exon 4 of the CFTR gene, results from a C to T substitution at nucleotide position 359. The alanine at codon 120 is replaced by valine, an amino acid with similar properties. This amino acid position is well conserved in available vertebrate species. In addition, this alteration is predicted to be deleterious by in silico analysis. Based on the available evidence, the clinical significance of this variant remains unclear.

Labcorp Genetics (formerly Invitae), Labcorp
Classification: Uncertain significance for Cystic fibrosis. Last evaluated: 2024-11-09. Review status: criteria provided, single submitter. Criteria: Invitae Variant Classification Sherloc (09022015). Collection method: clinical testing. Allele origin: germline.
Comment: This sequence change replaces alanine, which is neutral and non-polar, with valine, which is neutral and non-polar, at codon 120 of the CFTR protein (p.Ala120Val). This variant is not present in population databases (gnomAD no frequency). This variant has not been reported in the literature in individuals affected with CFTR-related conditions. ClinVar contains an entry for this variant (Variation ID: 526016). Invitae Evidence Modeling of protein sequence and biophysical properties (such as structural, functional, and spatial information, amino acid conservation, physicochemical variation, residue mobility, and thermodynamic stability) indicates that this missense variant is expected to disrupt CFTR protein function with a positive predictive value of 80%. In summary, the available evidence is currently insufficient to determine the role of this variant in disease. Therefore, it has been classified as a Variant of Uncertain Significance.

Women's Health and Genetics/Laboratory Corporation of America, LabCorp
Classification: Uncertain significance. Last evaluated: 2024-07-08. Review status: criteria provided, single submitter. Criteria: LabCorp Variant Classification Summary - May 2015. Collection method: clinical testing. Allele origin: germline.
Comment: Variant summary: CFTR c.359C>T (p.Ala120Val) results in a non-conservative amino acid change located in the first transmembrane domain (IPR011527) of the encoded protein sequence. Four of four in-silico tools predict a damaging effect of the variant on protein function. The variant was absent in 250898 control chromosomes. The available data on variant occurrences in the general population are insufficient to allow any conclusion about variant significance. To our knowledge, no occurrence of c.359C>T in individuals affected with Cystic Fibrosis and no experimental evidence demonstrating its impact on protein function have been reported. ClinVar contains an entry for this variant (Variation ID: 526016). Based on the evidence outlined above, the variant was classified as uncertain significance.

GeneDx
Classification: Uncertain significance. Last evaluated: 2024-04-26. Review status: criteria provided, single submitter. Criteria: GeneDx Variant Classification Process June 2021. Collection method: clinical testing. Allele origin: germline. Affected: yes.
Comment: Not observed at significant frequency in large population cohorts (gnomAD); In silico analysis indicates that this missense variant does not alter protein structure/function; Has not been previously published as pathogenic or benign to our knowledge

PreventionGenetics, part of Exact Sciences
Classification: Uncertain significance for CFTR-related condition. Last evaluated: 2024-01-16. Review status: no assertion criteria provided. Collection method: clinical testing. Allele origin: germline. Not counted in ClinVar's aggregate classification.
Comment: The CFTR c.359C>T variant is predicted to result in the amino acid substitution p.Ala120Val. To our knowledge, this variant has not been reported in the literature or in a large population database, indicating this variant is rare. At this time, the clinical significance of this variant is uncertain due to the absence of conclusive functional and genetic evidence.

Natera, Inc.
Classification: Uncertain significance for CFTR-related disorders. Last evaluated: 2018-12-31. Review status: no assertion criteria provided. Collection method: clinical testing. Allele origin: germline. Not counted in ClinVar's aggregate classification.